The following is an entry in ClinVar:

ClinVar aggregate classification (germline): Uncertain significance. Review status: criteria provided, multiple submitters, no conflicts (2 of 4 stars). 4 submissions from 4 submitters: Uncertain significance (4). Last evaluated 2025-03-30.

Conditions:
Familial cancer of breast. Also called: hereditary breast carcinoma; BREAST CANCER, FAMILIAL; Hereditary breast cancer. Identifiers: Orphanet 227535, MedGen C0346153, MONDO:0016419, OMIM 114480. Disease mechanism: loss of function.
Hereditary cancer-predisposing syndrome. Also called: Hereditary neoplastic syndrome; Tumor predisposition; Neoplastic Syndromes, Hereditary; Hereditary Cancer Syndrome. Identifiers: Orphanet 140162, MedGen C0027672, MeSH D009386, MONDO:0015356.
Ataxia-telangiectasia syndrome (AT). Also called: Ataxia telangiectasia (A-T); Cerebello-oculocutaneous telangiectasia; Immunodeficiency with ataxia telangiectasia; AT, COMPLEMENTATION GROUP C; ATAXIA-TELANGIECTASIA, COMPLEMENTATION GROUP A; ATAXIA-TELANGIECTASIA, FRESNO VARIANT. Identifiers: Orphanet 100, MedGen C0004135, MONDO:0008840, OMIM 208900.

Submissions (4):

Labcorp Genetics (formerly Invitae), Labcorp
Classification: Uncertain significance for Ataxia-telangiectasia syndrome. Last evaluated: 2025-03-30. Review status: criteria provided, single submitter. Criteria: Invitae Variant Classification Sherloc (09022015). Collection method: clinical testing. Allele origin: germline.
Comment: This sequence change replaces arginine, which is basic and polar, with leucine, which is neutral and non-polar, at codon 924 of the ATM protein (p.Arg924Leu). This variant is not present in population databases (gnomAD no frequency). This variant has not been reported in the literature in individuals affected with ATM-related conditions. ClinVar contains an entry for this variant (Variation ID: 860564). Invitae Evidence Modeling of protein sequence and biophysical properties (such as structural, functional, and spatial information, amino acid conservation, physicochemical variation, residue mobility, and thermodynamic stability) indicates that this missense variant is not expected to disrupt ATM protein function with a negative predictive value of 95%. In summary, the available evidence is currently insufficient to determine the role of this variant in disease. Therefore, it has been classified as a Variant of Uncertain Significance.

Ambry Genetics
Classification: Uncertain significance for Hereditary cancer-predisposing syndrome. Last evaluated: 2023-09-04. Review status: criteria provided, single submitter. Criteria: Ambry Variant Classification Scheme 2023. Collection method: clinical testing. Allele origin: germline.
Comment: The p.R924L variant (also known as c.2771G>T), located in coding exon 17 of the ATM gene, results from a G to T substitution at nucleotide position 2771. The arginine at codon 924 is replaced by leucine, an amino acid with dissimilar properties. This amino acid position is highly conserved in available vertebrate species. In addition, this alteration is predicted to be deleterious by in silico analysis. Since supporting evidence is limited at this time, the clinical significance of this alteration remains unclear.

Baylor Genetics
Classification: Uncertain significance for Familial cancer of breast. Last evaluated: 2023-08-20. Review status: criteria provided, single submitter. Criteria: ACMG Guidelines, 2015. Collection method: clinical testing. Allele origin: unknown.

Sema4
Classification: Uncertain significance for Hereditary cancer-predisposing syndrome. Last evaluated: 2022-01-04. Review status: criteria provided, single submitter. Criteria: Sema4 Curation Guidelines. Collection method: curation. Allele origin: germline.
Comment: The ATM c.2771G>T (p.R924L) variant has not been reported in the literature to our knowledge. It was not observed in the large and broad cohorts of the Genome Aggregation Database (PMID: 32461654). This variant has been reported in ClinVar (Variation ID 860564). Functional studies have not been performed, and in silico predictions of the variant's effect on protein function are inconclusive. The evidence is insufficient to meet ACMG/AMP criteria for classifying the variant as benign or pathogenic. Thus, the clinical significance of this variant is currently uncertain.

NM_000051.4(ATM):c.2771G>T (p.Arg924Leu)

Gene: ATM (ATM serine/threonine kinase; plus strand). Cytogenetic location: 11q22.3.
Variant type: single nucleotide variant.
Coding change: c.2771G>T on transcript NM_000051.4 (MANE Select); coding-DNA position 2771, G replaced by T.
Protein change: p.Arg924Leu; replaces arginine 924 with leucine.
Molecular consequence: missense variant.
Genome position (GRCh38, 1-based): chr11:108,268,542, G>T. VCF-style: chr11-108268542-G-T. GRCh37 (hg19) VCF-style: chr11-108139269-G-T.
Other names: c.2771G>T, p.Arg924Leu (NM_001351834.2); short protein forms R924L.
Identifiers: ClinVar variation 860564 (VCV000860564.13), dbSNP rs587782298, ClinGen allele CA382545521.